The following is an entry in ClinVar:

ClinVar aggregate classification (germline): Pathogenic (1 of 4 stars; one submission).

Submission:

Athena Diagnostics
Classification: Pathogenic. Last evaluated: 2023-04-25. Review status: criteria provided, single submitter. Criteria: Athena Diagnostics Criteria. Collection method: clinical testing. Allele origin: unknown.
Comment: This variant is expected to result in the loss of a functional protein. Similar deletions of exons 43-50 have been identified in multiple unrelated individuals with DMD. Similar variants have not been reported in large, multi-ethnic general populations (Genome Aggregation Database (gnomAD), Cambridge, MA (URL)).

Literature cited by the submitters: PubMed 10465346; PubMed 19367636; PubMed 31705731; PubMed 29847600; PubMed 35501714.

Single allele

Gene: DMD (dystrophin; minus strand). Cytogenetic location: Xp21.1.
Variant type: Deletion.
Identifiers: ClinVar variation 2684120 (VCV002684120.1).